The following is an entry in ClinVar:

ClinVar aggregate classification (germline): Likely benign (1 of 4 stars; one submission).

Allele frequency attached by ClinVar (database versions not stated): gnomAD below 0.00001 and 0.00001; gnomAD exomes below 0.00001.
gnomAD v4.1: 3 of 1,614,052 alleles (0.00019%); highest among the groups gnomAD compares: South Asian, 0.0011%; no homozygotes.

Submission:

GeneDx
Classification: Likely benign. Last evaluated: 2017-09-11. Review status: criteria provided, single submitter. Criteria: GeneDx Variant Classification (06012015). Collection method: clinical testing. Allele origin: germline. Affected: yes.
Comment: This variant is considered likely benign or benign based on one or more of the following criteria: it is a conservative change, it occurs at a poorly conserved position in the protein, it is predicted to be benign by multiple in silico algorithms, and/or has population frequency not consistent with disease.

NM_000138.5(FBN1):c.6951G>A (p.Glu2317=)

Gene: FBN1 (fibrillin 1; minus strand). Cytogenetic location: 15q21.1.
Variant type: single nucleotide variant.
Coding change: c.6951G>A on transcript NM_000138.5 (MANE Select); coding-DNA position 6951, G replaced by A.
Protein change: p.Glu2317=; no amino-acid change (glutamic acid 2317 retained).
Molecular consequence: synonymous variant.
Genome position (GRCh38, 1-based): chr15:48,428,392, C>T on the plus strand (G>A on the coding strand, the complement: FBN1 is on the minus strand). VCF-style: chr15-48428392-C-T. GRCh37 (hg19) VCF-style: chr15-48720589-C-T.
Identifiers: ClinVar variation 511980 (VCV000511980.1), dbSNP rs1555394627, ClinGen allele CA490017828.